The following is an entry in ClinVar:

NM_002653.5(PITX1):c.683G>T (p.Ser228Ile)

Gene: PITX1 (paired like homeodomain 1; minus strand). Cytogenetic location: 5q31.1.
Variant type: single nucleotide variant.
Coding change: c.683G>T on transcript NM_002653.5 (MANE Select); coding-DNA position 683, G replaced by T.
Protein change: p.Ser228Ile; replaces serine 228 with isoleucine.
Molecular consequence: missense variant.
Genome position (GRCh38, 1-based): chr5:135,029,041, C>A on the plus strand (G>T on the coding strand, the complement: PITX1 is on the minus strand). VCF-style: chr5-135029041-C-A. GRCh37 (hg19) VCF-style: chr5-134364731-C-A.
Other names: short protein forms S228I.
Identifiers: ClinVar variation 930834 (VCV000930834.3), dbSNP rs1752403312, ClinGen allele CA361027731.

ClinVar aggregate classification (germline): Uncertain significance (1 of 4 stars; one submission).

Conditions:
Clubfoot. Also called: Talipes equinovarus; CLUBFOOT, CONGENITAL, WITH OR WITHOUT DEFICIENCY OF LONG BONES AND/OR MIRROR-IMAGE POLYDACTYLY; Club foot; Clubfeet; congenital talipes equinovarus. Identifiers: Orphanet 199315, MedGen C0009081, MONDO:0007342, OMIM 119800, HP:0001762.

Allele frequency attached by ClinVar (database versions not stated): TOPMed below 0.00001.
gnomAD v4.1: 1 of 1,614,226 alleles (0.000062%); highest among the groups gnomAD compares: Non-Finnish European, 0.000085%; no homozygotes.

Submission:

Centre for Mendelian Genomics, University Medical Centre Ljubljana
Classification: Uncertain significance for Clubfoot. Last evaluated: 2019-12-02. Review status: criteria provided, single submitter. Criteria: ACMG Guidelines, 2015. Collection method: clinical testing. Allele origin: unknown. Affected: yes.
Comment: This variant was classified as: Uncertain significance. The available evidence on this variant's pathogenicity is insufficient or conflicting. The following ACMG criteria were applied in classifying this variant: PM2,PP3.